The following is an entry in ClinVar:

ClinVar aggregate classification (germline): Likely benign (0 of 4 stars; one submission).

Conditions:
NR2E1-related disorder. Also called: NR2E1-related condition.

gnomAD v4.1: 40 of 1,613,924 alleles (0.0025%); highest among the groups gnomAD compares: Non-Finnish European, 0.0033%; no homozygotes.

Submission:

PreventionGenetics, part of Exact Sciences
Classification: Likely benign for NR2E1-related condition. Last evaluated: 2019-07-23. Review status: no assertion criteria provided. Collection method: clinical testing. Allele origin: germline.
Comment: This variant is classified as likely benign based on ACMG/AMP sequence variant interpretation guidelines (Richards et al. 2015 PMID: 25741868, with internal and published modifications).

NM_003269.5(NR2E1):c.111A>G (p.Ser37=)

Gene: NR2E1 (nuclear receptor subfamily 2 group E member 1; plus strand). Cytogenetic location: 6q21.
Variant type: single nucleotide variant.
Coding change: c.111A>G on transcript NM_003269.5 (MANE Select); coding-DNA position 111, A replaced by G.
Protein change: p.Ser37=; no amino-acid change (serine 37 retained).
Molecular consequence: synonymous variant.
Genome position (GRCh38, 1-based): chr6:108,171,543, A>G. VCF-style: chr6-108171543-A-G. GRCh37 (hg19) VCF-style: chr6-108492747-A-G.
Other names: c.222A>G, p.Ser74= (NM_001286102.1).
Identifiers: ClinVar variation 3350631 (VCV003350631.1).